The following is an entry in ClinVar:

NM_004310.5(RHOH):c.224A>C (p.Gln75Pro)

Gene: RHOH (ras homolog family member H; plus strand). Cytogenetic location: 4p14.
Variant type: single nucleotide variant.
Coding change: c.224A>C on transcript NM_004310.5 (MANE Select); coding-DNA position 224, A replaced by C.
Protein change: p.Gln75Pro; replaces glutamine 75 with proline.
Molecular consequence: missense variant.
Genome position (GRCh38, 1-based): chr4:40,243,610, A>C. VCF-style: chr4-40243610-A-C. GRCh37 (hg19) VCF-style: chr4-40245230-A-C.
Other names: c.224A>C, p.Gln75Pro (NM_001278359.2, NM_001278360.2, NM_001278361.2 and 8 more transcripts); short protein forms Q75P.
Identifiers: ClinVar variation 3648732 (VCV003648732.2).

ClinVar aggregate classification (germline): Uncertain significance (1 of 4 stars; one submission).

Conditions:
T-cell immunodeficiency with epidermodysplasia verruciformis. Identifiers: Orphanet 324294, MedGen C4749500, MONDO:0017925.

Submission:

Labcorp Genetics (formerly Invitae), Labcorp
Classification: Uncertain significance for T-cell immunodeficiency with epidermodysplasia verruciformis. Last evaluated: 2024-04-03. Review status: criteria provided, single submitter. Criteria: Invitae Variant Classification Sherloc (09022015). Collection method: clinical testing. Allele origin: germline.
Comment: This sequence change replaces glutamine, which is neutral and polar, with proline, which is neutral and non-polar, at codon 75 of the RHOH protein (p.Gln75Pro). This variant is not present in population databases (gnomAD no frequency). This variant has not been reported in the literature in individuals affected with RHOH-related conditions. An algorithm developed to predict the effect of missense changes on protein structure and function (PolyPhen-2) suggests that this variant is likely to be disruptive. In summary, the available evidence is currently insufficient to determine the role of this variant in disease. Therefore, it has been classified as a Variant of Uncertain Significance.